The following is an entry in ClinVar:

ClinVar aggregate classification (germline): Uncertain significance (1 of 4 stars; one submission).

Conditions:
Familial hemophagocytic lymphohistiocytosis 3 (FHL3). Also called: UNC13D-Related Familial Hemophagocytic Lymphohistiocytosis (UNC13D-fHLH). Identifiers: Orphanet 540, MedGen C1837174, MONDO:0012146, OMIM 608898.

gnomAD v4.1: 3 of 1,613,958 alleles (0.00019%); highest among the groups gnomAD compares: South Asian, 0.0022%; no homozygotes.

Submission:

Labcorp Genetics (formerly Invitae), Labcorp
Classification: Uncertain significance for Familial hemophagocytic lymphohistiocytosis 3. Last evaluated: 2021-04-08. Review status: criteria provided, single submitter. Criteria: Invitae Variant Classification Sherloc (09022015). Collection method: clinical testing. Allele origin: germline.
Comment: This sequence change falls in intron 8 of the UNC13D gene. It does not directly change the encoded amino acid sequence of the UNC13D protein. It affects a nucleotide within the consensus splice site of the intron. This variant is not present in population databases (ExAC no frequency). This variant has not been reported in the literature in individuals with UNC13D-related conditions. Nucleotide substitutions within the consensus splice site are a relatively common cause of aberrant splicing (PMID: 17576681, 9536098). Algorithms developed to predict the effect of sequence changes on RNA splicing suggest that this variant may disrupt the consensus splice site, but this prediction has not been confirmed by published transcriptional studies. In summary, the available evidence is currently insufficient to determine the role of this variant in disease. Therefore, it has been classified as a Variant of Uncertain Significance.

Literature cited by the submitters: PubMed 17576681; PubMed 9536098.

NM_199242.3(UNC13D):c.683+5G>T

Gene: UNC13D (unc-13 homolog D; minus strand). Cytogenetic location: 17q25.1.
Variant type: single nucleotide variant.
Coding change: c.683+5G>T on transcript NM_199242.3 (MANE Select); 5 bases into the intron after coding-DNA position 683, G replaced by T.
Molecular consequence: intron variant.
Genome position (GRCh38, 1-based): chr17:75,840,757, C>A on the plus strand (G>T on the coding strand, the complement: UNC13D is on the minus strand). VCF-style: chr17-75840757-C-A. GRCh37 (hg19) VCF-style: chr17-73836838-C-A.
Identifiers: ClinVar variation 1491067 (VCV001491067.3), dbSNP rs554536271, ClinGen allele CA2573154839.